The following is an entry in ClinVar:

NM_007286.6(SYNPO):c.2372CCCCGC[9] (p.Pro800_Arg801insProProProProProProProPro)

Genes: SYNPO (synaptopodin; plus strand), LOC129995011 (ATAC-STARR-seq lymphoblastoid silent region 16516; plus strand). Cytogenetic location: 5q33.1.
Variant type: Microsatellite.
Coding change: c.2372CCCCGC[9] on transcript NM_007286.6 (MANE Select); nine copies in a row of the 6-base unit CCCCGC starting at c.2372; the reference has five copies in a row; four copies, 24 bases duplicated.
Protein change: p.Pro800_Arg801insProProProProProProProPro.
Molecular consequence: inframe insertion.
Genome position (GRCh38, 1-based): chr5:150,656,753-150,656,776, CCCCGCCCCCGCCCCCGCCCCCGC duplicated; duplicating any 24 consecutive bases within chr5:150,656,743-150,656,776 gives the same sequence; the position shown is the placement nearest the transcript's 3' end. VCF-style (leftmost placement, unchanged base first): chr5-150656742-A-ACCGCCCCCGCCCCCGCCCCCGCCC. GRCh37 (hg19) VCF-style: chr5-150036304-A-ACCGCCCCCGCCCCCGCCCCCGCCC.
Identifiers: ClinVar variation 2079316 (VCV002079316.4), dbSNP rs769259449, ClinGen allele CA1082893443.

ClinVar aggregate classification (germline): Uncertain significance (1 of 4 stars; one submission).

Submission:

Labcorp Genetics (formerly Invitae), Labcorp
Classification: Uncertain significance. Last evaluated: 2025-06-12. Review status: criteria provided, single submitter. Criteria: Invitae Variant Classification Sherloc (09022015). Collection method: clinical testing. Allele origin: germline.
Comment: This variant, c.2378_2401dup, results in the insertion of 8 amino acid(s) of the SYNPO protein (p.Pro793_Pro800dup), but otherwise preserves the integrity of the reading frame. The frequency data for this variant in the population databases is considered unreliable, as metrics indicate insufficient coverage at this position in the gnomAD database. This variant has not been reported in the literature in individuals affected with SYNPO-related conditions. In summary, the available evidence is currently insufficient to determine the role of this variant in disease. Therefore, it has been classified as a Variant of Uncertain Significance.